The following is an entry in ClinVar:

ClinVar aggregate classification (germline): Uncertain significance (1 of 4 stars; one submission).

Conditions:
Arrhythmogenic right ventricular dysplasia 8 (ARVD8). Also called: ARRHYTHMOGENIC RIGHT VENTRICULAR DYSPLASIA, FAMILIAL, 8; ARRHYTHMOGENIC RIGHT VENTRICULAR CARDIOMYOPATHY 8; Arrhythmogenic Right Ventricular Dysplasia/Cardiomyopathy 8. Identifiers: MedGen C1843896, MONDO:0011831, OMIM 607450.
Arrhythmogenic cardiomyopathy with wooly hair and keratoderma. Also called: Dilated cardiomyopathy with woolly hair and keratoderma; PALMOPLANTAR KERATODERMA WITH LEFT VENTRICULAR CARDIOMYOPATHY AND WOOLLY HAIR; Carvajal syndrome; Arrhythmogenic cardiomyopathy with woolly hair and keratoderma. Identifiers: Orphanet 65282, MedGen C1854063, MONDO:0011581, OMIM 605676.

Submission:

Labcorp Genetics (formerly Invitae), Labcorp
Classification: Uncertain significance for Arrhythmogenic cardiomyopathy with wooly hair and keratoderma; Arrhythmogenic right ventricular dysplasia 8. Last evaluated: 2019-03-05. Review status: criteria provided, single submitter. Criteria: Invitae Variant Classification Sherloc (09022015). Collection method: clinical testing. Allele origin: germline.
Comment: This sequence change affects codon 634 of the DSP mRNA. It is a 'silent' change, meaning that it does not change the encoded amino acid sequence of the DSP protein. This variant is not present in population databases (ExAC no frequency). This variant has not been reported in the literature in individuals with DSP-related conditions. Algorithms developed to predict the effect of sequence changes on RNA splicing suggest that this variant may disrupt the consensus splice site, but this prediction has not been confirmed by published transcriptional studies. In summary, the available evidence is currently insufficient to determine the role of this variant in disease. Therefore, it has been classified as a Variant of Uncertain Significance.

NM_004415.4(DSP):c.1902A>G (p.Thr634=)

Gene: DSP (desmoplakin; plus strand). Cytogenetic location: 6p24.3.
Variant type: single nucleotide variant.
Coding change: c.1902A>G on transcript NM_004415.4 (MANE Select); coding-DNA position 1902, A replaced by G.
Protein change: p.Thr634=; no amino-acid change (threonine 634 retained).
Molecular consequence: synonymous variant.
Genome position (GRCh38, 1-based): chr6:7,571,583, A>G. VCF-style: chr6-7571583-A-G. GRCh37 (hg19) VCF-style: chr6-7571816-A-G.
Other names: c.1902A>G, p.Thr634= (NM_001008844.3, NM_001319034.2).
Identifiers: ClinVar variation 854692 (VCV000854692.3), dbSNP rs1759054491, ClinGen allele CA448714185.
Genomic context (GRCh38, chr6:7,571,583, plus strand): 5'-TGCCCAGAAGCATTACCAGACCCTGGTCATTCAGCTCCCTGGCTATCCCCAGCACCAGAC[A>G]GGTCGGCTTGGGACATCTTTCTCTTTGTATCAACCATCCATACCATTTTAAAAAGAAGGG-3'
Protein context (NP_004406.2, residues 624-644): IQLPGYPQHQ[Thr634=]VTTTEITHHG